The following is an entry in ClinVar:

ClinVar aggregate classification (germline): Conflicting classifications of pathogenicity. Review status: criteria provided, conflicting classifications (1 of 4 stars). 2 submissions from 2 submitters: Uncertain significance (1); Likely benign (1). Last evaluated 2025-06-24.

Conditions:
Charcot-Marie-Tooth disease axonal type 2Z. Also called: CHARCOT-MARIE-TOOTH DISEASE, AXONAL, AUTOSOMAL DOMINANT, TYPE 2Z; CHARCOT-MARIE-TOOTH NEUROPATHY, TYPE 2Z. Identifiers: Orphanet 466768, MedGen C5569025, MONDO:0014736, OMIM 616688.
MORC2-related disorder. Also called: MORC2-related condition.

Allele frequency attached by ClinVar (database versions not stated): gnomAD exomes 0.00001 and 0.00002; gnomAD 0.00013 and 0.00015; TOPMed 0.00021.
gnomAD v4.1: 50 of 1,613,974 alleles (0.0031%); highest among the groups gnomAD compares: Middle Eastern, 0.049%; no homozygotes.

Submissions (2):

PreventionGenetics, part of Exact Sciences
Classification: Uncertain significance for MORC2-related condition. Last evaluated: 2025-06-24. Review status: criteria provided, single submitter. Criteria: ACMG Guidelines, 2015. Collection method: clinical testing. Allele origin: germline.
Comment: The MORC2 c.2711A>G variant is predicted to result in the amino acid substitution p.Asn904Ser. To our knowledge, this variant has not been reported in the literature. This variant is reported in 0.0056% of alleles in individuals of Latino descent in gnomAD. At this time, the clinical significance of this variant is uncertain due to the absence of conclusive functional and genetic evidence.

Labcorp Genetics (formerly Invitae), Labcorp
Classification: Likely benign for Charcot-Marie-Tooth disease axonal type 2Z. Last evaluated: 2025-05-04. Review status: criteria provided, single submitter. Criteria: Invitae Variant Classification Sherloc (09022015). Collection method: clinical testing. Allele origin: germline.

NM_001303256.3(MORC2):c.2711A>G (p.Asn904Ser)

Gene: MORC2 (MORC family CW-type zinc finger 2; minus strand). Cytogenetic location: 22q12.2.
Variant type: single nucleotide variant.
Coding change: c.2711A>G on transcript NM_001303256.3 (MANE Select); coding-DNA position 2711, A replaced by G.
Protein change: p.Asn904Ser; replaces asparagine 904 with serine.
Molecular consequence: missense variant.
Genome position (GRCh38, 1-based): chr22:30,932,581, T>C on the plus strand (A>G on the coding strand, the complement: MORC2 is on the minus strand). VCF-style: chr22-30932581-T-C. GRCh37 (hg19) VCF-style: chr22-31328568-T-C.
Other names: c.2711A>G, p.Asn904Ser (NM_001303257.2); c.2525A>G, p.Asn842Ser (NM_014941.3); short protein forms N842S, N904S.
Identifiers: ClinVar variation 570848 (VCV000570848.12), dbSNP rs1042426757, ClinGen allele CA323269515.
Genomic context (GRCh38, chr22:30,932,581, plus strand): 5'-TGGGAAGACAAAAGACACATGTACCGGAGGATCTGGACAAGCAGGTCGATGGTCTCGTGA[T>C]TGGTGCTCAGGGCAGTGGTGTCAGGCTCAATGCGGAGGCATTCGGAAGTGGAGGGCTCTG-3'
Protein context (NP_001290185.1, residues 894-914): IEPDTTALST[Asn904Ser]HETIDLLVQI